The following is an entry in ClinVar:

ClinVar aggregate classification (germline): Uncertain significance (1 of 4 stars; one submission).

Conditions:
Candidiasis, familial, 6 (CANDF6). Also called: Candidiasis, familial, 6, autosomal dominant. Identifiers: Orphanet 1334, MedGen C3151405, MONDO:0013503, OMIM 613956.

Allele frequency attached by ClinVar (database versions not stated): TOPMed below 0.00001.

Submission:

Labcorp Genetics (formerly Invitae), Labcorp
Classification: Uncertain significance for Candidiasis, familial, 6. Last evaluated: 2021-02-22. Review status: criteria provided, single submitter. Criteria: Invitae Variant Classification Sherloc (09022015). Collection method: clinical testing. Allele origin: germline.
Comment: In summary, the available evidence is currently insufficient to determine the role of this variant in disease. Therefore, it has been classified as a Variant of Uncertain Significance. Algorithms developed to predict the effect of missense changes on protein structure and function (SIFT, PolyPhen-2, Align-GVGD) all suggest that this variant is likely to be tolerated, but these predictions have not been confirmed by published functional studies and their clinical significance is uncertain. This variant has not been reported in the literature in individuals with IL17F-related conditions. This variant is not present in population databases (ExAC no frequency). This sequence change replaces isoleucine with methionine at codon 33 of the IL17F protein (p.Ile33Met). The isoleucine residue is weakly conserved and there is a small physicochemical difference between isoleucine and methionine.

NM_052872.4(IL17F):c.99C>G (p.Ile33Met)

Gene: IL17F (interleukin 17F; minus strand). Cytogenetic location: 6p12.2.
Variant type: single nucleotide variant.
Coding change: c.99C>G on transcript NM_052872.4 (MANE Select); coding-DNA position 99, C replaced by G.
Protein change: p.Ile33Met; replaces isoleucine 33 with methionine.
Molecular consequence: missense variant.
Genome position (GRCh38, 1-based): chr6:52,238,885, G>C on the plus strand (C>G on the coding strand, the complement: IL17F is on the minus strand). VCF-style: chr6-52238885-G-C. GRCh37 (hg19) VCF-style: chr6-52103683-G-C.
Other names: short protein forms I33M.
Identifiers: ClinVar variation 1349086 (VCV001349086.8), dbSNP rs1764017856, ClinGen allele CA364445194.